The following is an entry in ClinVar:

ClinVar aggregate classification (germline): Pathogenic/Likely pathogenic. Review status: criteria provided, multiple submitters, no conflicts (2 of 4 stars). 8 submissions from 8 submitters: Pathogenic (6); Likely pathogenic (2). Last evaluated 2025-05-12.

Conditions:
CFTR-related disorder (CFTR-RD). Also called: CFTR-related condition; CFTR-related disorders. Identifiers: MedGen C5924204, MONDO:7770004.
Cystic fibrosis (CF). Also called: MUCOVISCIDOSIS. Identifiers: Orphanet 586, MedGen C0010674, MONDO:0009061, OMIM 219700. Disease mechanism: loss of function.
Congenital bilateral aplasia of vas deferens from CFTR mutation (CBAVD). Identifiers: Orphanet 48, MedGen C0403814, MONDO:0010178, OMIM 277180. Disease mechanism: loss of function.

Allele frequency attached by ClinVar (database versions not stated): gnomAD exomes below 0.00001 and 0.00001; ExAC 0.00001; gnomAD 0.00001 and below 0.00001.
gnomAD v4.1: 5 of 1,610,080 alleles (0.00031%); highest among the groups gnomAD compares: South Asian, 0.0033%; no homozygotes.

Submissions (8):

Natera, Inc.
Classification: Likely pathogenic for CFTR-related disorders. Last evaluated: 2025-05-12. Review status: criteria provided, single submitter. Criteria: Natera Variant Classification Schema (03/2026). Collection method: clinical testing. Allele origin: germline.
Comment: The c.3717+1G>A variant in CFTR is a canonical splice donor site variant predicted to affect pre-mRNA splicing, which may result in an abnormal transcript and altered protein product. This variant is expected to result in nonsense mediated decay, truncation, or a dysfunctional protein product. This variant is rare in the general population with a frequency below the threshold expected for the associated phenotype(s). This variant has been observed in one or more individuals affected with the associated recessive disease, as either homozygous or compound heterozygous with a second variant (PMID: 21449922, 7509231, 23437356). Given the available evidence, this variant is classified as Likely Pathogenic.

Blueprint Genetics
Classification: Pathogenic for CFTR-related disorders. Last evaluated: 2023-01-13. Review status: criteria provided, single submitter. Criteria: ACMG Guidelines, 2015. Collection method: clinical testing. Allele origin: germline. Affected: yes. Observed: 2 variant alleles.

Institute of Human Genetics, University of Leipzig Medical Center
Classification: Likely pathogenic for Cystic fibrosis. Last evaluated: 2022-09-05. Review status: criteria provided, single submitter. Criteria: ACMG Guidelines, 2015. Collection method: curation. Allele origin: unknown. Affected: yes. Observed: 2 variant alleles.
Comment: This variant was identified in 2 unrelated patients with a clinically confirmed diagnosis of cystic fibrosis. The variant was classified in the context of a project re-classifying variants in the German Cystic Fibrosis Registry (Muko.e.V.). Criteria applied: PVS1_STR, PM2_SUP, PM3

Labcorp Genetics (formerly Invitae), Labcorp
Classification: Pathogenic for Cystic fibrosis. Last evaluated: 2022-04-12. Review status: criteria provided, single submitter. Criteria: Invitae Variant Classification Sherloc (09022015). Collection method: clinical testing. Allele origin: germline.
Comment: Algorithms developed to predict the effect of sequence changes on RNA splicing suggest that this variant may disrupt the consensus splice site. For these reasons, this variant has been classified as Pathogenic. ClinVar contains an entry for this variant (Variation ID: 632759). This variant is also known as 3849+1G>A. Disruption of this splice site has been observed in individual(s) with cystic fibrosis (PMID: 7509231, 12938099, 17331079, 21449922). In at least one individual the data is consistent with being in trans (on the opposite chromosome) from a pathogenic variant. This variant is present in population databases (rs750558115, gnomAD 0.007%). This sequence change affects a donor splice site in intron 22 of the CFTR gene. It is expected to disrupt RNA splicing. Variants that disrupt the donor or acceptor splice site typically lead to a loss of protein function (PMID: 16199547), and loss-of-function variants in CFTR are known to be pathogenic (PMID: 1695717, 7691345, 9725922).

Women's Health and Genetics/Laboratory Corporation of America, LabCorp
Classification: Pathogenic. Last evaluated: 2018-04-16. Review status: criteria provided, single submitter. Criteria: LabCorp Variant Classification Summary - May 2015. Collection method: clinical testing. Allele origin: germline.
Comment: Variant summary: CFTR c.3717+1G>A is located in a canonical splice-site and is predicted to affect mRNA splicing resulting in a significantly altered protein due to either exon skipping, shortening, or inclusion of intronic material. Several computational tools predict a significant impact on normal splicing: Four predict the variant abolishes a 5 splicing donor site. However, these predictions have yet to be confirmed by functional studies. The variant allele was found at a frequency of 8.3e-06 in 241448 control chromosomes. This frequency is not significantly higher than expected for a pathogenic variant in CFTR causing Cystic Fibrosis (8.3e-06 vs 1.30e-02), allowing no conclusion about variant significance. c.3717+1G>A has been reported in the literature in individuals affected with Cystic Fibrosis (Greil_1993, Keyeux_2003, Nahida_2011, Alonso_2007). These data indicate that the variant is likely to be associated with disease. To our knowledge, no experimental evidence demonstrating an impact on protein function has been reported. No clinical diagnostic laboratories have submitted clinical-significance assessments for this variant to ClinVar after 2014. Based on the evidence outlined above, the variant was classified as pathogenic.

CFTR-France
Classification: Pathogenic for cystic fibrosis. Last evaluated: 2018-01-29. Review status: criteria provided, single submitter. Criteria: Claustres M et al. (Hum Mutat 2017). Collection method: curation. Allele origin: germline. Affected: yes.

Clinical Genetics Service, Universitary Hospital 12 de Octubre
Classification: Pathogenic for Cystic fibrosis. Review status: criteria provided, single submitter. Criteria: ACMG Guidelines, 2015. Collection method: clinical testing. Allele origin: maternal. Affected: yes.

Juno Genomics, Hangzhou Juno Genomics, Inc
Classification: Pathogenic for Congenital bilateral aplasia of vas deferens from CFTR mutation; Cystic fibrosis. Review status: criteria provided, single submitter. Criteria: ACMG Guidelines, 2015. Collection method: clinical testing. Allele origin: germline.
Comment: Absent from controls (or at extremely low frequency if recessive) in Genome Aggregation Database.;Null variant in a gene where loss of function (LOF) is a known mechanism of disease.;For recessive disorders, detected in trans with a pathogenic variant.;Patient's phenotype or family history is highly specific for a disease with a single genetic etiology.

Literature cited by the submitters: PubMed 21449922 (cited by Natera, Inc. and Labcorp Genetics (formerly Invitae), Labcorp); PubMed 7509231 (cited by 3 submitters); PubMed 23437356 (cited by Natera, Inc.); PubMed 12938099 (cited by Labcorp Genetics (formerly Invitae), Labcorp and Women's Health and Genetics/Laboratory Corporation of America, LabCorp); PubMed 17331079 (cited by Labcorp Genetics (formerly Invitae), Labcorp and Women's Health and Genetics/Laboratory Corporation of America, LabCorp); PubMed 16199547 (cited by Labcorp Genetics (formerly Invitae), Labcorp); PubMed 1695717 (cited by Labcorp Genetics (formerly Invitae), Labcorp); PubMed 7691345 (cited by Labcorp Genetics (formerly Invitae), Labcorp); PubMed 9725922 (cited by Labcorp Genetics (formerly Invitae), Labcorp).

NM_000492.4(CFTR):c.3717+1G>A

Genes: CFTR (CF transmembrane conductance regulator; plus strand), CFTR-AS2 (CFTR antisense RNA 2; minus strand). Cytogenetic location: 7q31.2.
Variant type: single nucleotide variant.
Coding change: c.3717+1G>A on transcript NM_000492.4 (MANE Select); the canonical splice donor site of the intron after coding-DNA position 3717, G replaced by A.
Molecular consequence: splice donor variant.
Genome position (GRCh38, 1-based): chr7:117,627,771, G>A. VCF-style: chr7-117627771-G-A. GRCh37 (hg19) VCF-style: chr7-117267825-G-A.
Other names: 3849+1G->A.
Identifiers: ClinVar variation 632759 (VCV000632759.14), dbSNP rs750558115, ClinGen allele CA4451520.